The following is an entry in ClinVar:

NM_024589.3(ROGDI):c.302C>G (p.Ala101Gly)

Gene: ROGDI (rogdi atypical leucine zipper; minus strand). Cytogenetic location: 16p13.3.
Variant type: single nucleotide variant.
Coding change: c.302C>G on transcript NM_024589.3 (MANE Select); coding-DNA position 302, C replaced by G.
Protein change: p.Ala101Gly; replaces alanine 101 with glycine.
Molecular consequence: missense variant. On other transcripts: non-coding transcript variant (1).
Genome position (GRCh38, 1-based): chr16:4,800,532, G>C on the plus strand (C>G on the coding strand, the complement: ROGDI is on the minus strand). VCF-style: chr16-4800532-G-C. GRCh37 (hg19) VCF-style: chr16-4850533-G-C.
Other names: c.302C>G (NM_024589.1); short protein forms A101G.
Identifiers: ClinVar variation 1060140 (VCV001060140.9), dbSNP rs1343790004, ClinGen allele CA394654170.

ClinVar aggregate classification (germline): Uncertain significance. Review status: criteria provided, multiple submitters, no conflicts (2 of 4 stars). 2 submissions from 2 submitters: Uncertain significance (2). Last evaluated 2025-07-02.

Conditions:
Amelocerebrohypohidrotic syndrome (KTZS). Also called: EPILEPSY AND YELLOW TEETH; EPILEPSY, DEMENTIA, AND AMELOGENESIS IMPERFECTA; KOHLSCHUTTER SYNDROME; Kohlschutter's syndrome. Identifiers: Orphanet 1946, MedGen C0406740, MONDO:0009185, OMIM 226750.
Inborn genetic diseases. Identifiers: MedGen C0950123, MeSH D030342.

Allele frequency attached by ClinVar (database versions not stated): gnomAD 0.00001; TOPMed 0.00001.
gnomAD v4.1: 1 of 1,563,942 alleles (0.000064%); highest among the groups gnomAD compares: African/African-American, 0.0014%; no homozygotes.

Submissions (2):

Ambry Genetics
Classification: Uncertain significance for Inborn genetic diseases. Last evaluated: 2025-07-02. Review status: criteria provided, single submitter. Criteria: Ambry Variant Classification Scheme 2023. Collection method: clinical testing. Allele origin: germline.

Labcorp Genetics (formerly Invitae), Labcorp
Classification: Uncertain significance for Amelocerebrohypohidrotic syndrome. Last evaluated: 2025-01-20. Review status: criteria provided, single submitter. Criteria: Invitae Variant Classification Sherloc (09022015). Collection method: clinical testing. Allele origin: germline.
Comment: This sequence change replaces alanine, which is neutral and non-polar, with glycine, which is neutral and non-polar, at codon 101 of the ROGDI protein (p.Ala101Gly). This variant is present in population databases (no rsID available, gnomAD 0.01%). This variant has not been reported in the literature in individuals affected with ROGDI-related conditions. ClinVar contains an entry for this variant (Variation ID: 1060140). An algorithm developed to predict the effect of missense changes on protein structure and function (PolyPhen-2) suggests that this variant¬†is likely to be tolerated. In summary, the available evidence is currently insufficient to determine the role of this variant in disease. Therefore, it has been classified as a Variant of Uncertain Significance.